The following is an entry in ClinVar:

NM_001378418.1(TCF20):c.2067C>T (p.Gly689=)

Gene: TCF20 (transcription factor 20; minus strand). Cytogenetic location: 22q13.2.
Variant type: single nucleotide variant.
Coding change: c.2067C>T on transcript NM_001378418.1 (MANE Select); coding-DNA position 2067, C replaced by T.
Protein change: p.Gly689=; no amino-acid change (glycine 689 retained).
Molecular consequence: synonymous variant.
Genome position (GRCh38, 1-based): chr22:42,213,239, G>A on the plus strand (C>T on the coding strand, the complement: TCF20 is on the minus strand). VCF-style: chr22-42213239-G-A. GRCh37 (hg19) VCF-style: chr22-42609245-G-A.
Other names: c.2067C>T, p.Gly689= (NM_005650.4, NM_181492.3).
Identifiers: ClinVar variation 2653251 (VCV002653251.25), dbSNP rs759018084, ClinGen allele CA10267070.

ClinVar aggregate classification (germline): Likely benign. Review status: criteria provided, multiple submitters, no conflicts (2 of 4 stars). 2 submissions from 2 submitters: Likely benign (2). Last evaluated 2025-03-23.

Allele frequency attached by ClinVar (database versions not stated): gnomAD 0.00003; ExAC 0.00006.
gnomAD v4.1: 123 of 1,614,006 alleles (0.0076%); highest among the groups gnomAD compares: Non-Finnish European, 0.01%; no homozygotes.

Submissions (2):

Labcorp Genetics (formerly Invitae), Labcorp
Classification: Likely benign. Last evaluated: 2025-03-23. Review status: criteria provided, single submitter. Criteria: Invitae Variant Classification Sherloc (09022015). Collection method: clinical testing. Allele origin: germline.

CeGaT Center for Human Genetics Tuebingen
Classification: Likely benign. Last evaluated: 2023-09-01. Review status: criteria provided, single submitter. Criteria: CeGaT Center For Human Genetics Tuebingen Variant Classification Criteria Version 2. Collection method: clinical testing. Allele origin: germline. Affected: yes. Observed: 1 variant allele.
Comment: TCF20: BP4, BP7